The following is an entry in ClinVar:

ClinVar aggregate classification (germline): Benign. Review status: criteria provided, multiple submitters, no conflicts (2 of 4 stars). 13 submissions from 9 submitters: Benign (12). 1 of the submissions does not count toward it. Last evaluated 2026-02-04.

Conditions:
Epidermolysis bullosa simplex 5C, with pyloric atresia (EBS5C). Also called: PLEC-Related Epidermolysis Bullosa with Pyloric Atresia; Epidermolysis bullosa simplex with pyloric atresia; PLEC1-Related Epidermolysis Bullosa with Pyloric Atresia. Identifiers: Orphanet 158684, MedGen C2677349, MONDO:0012807, OMIM 612138.
Autosomal recessive limb-girdle muscular dystrophy type 2Q (LGMDR17). Also called: MUSCULAR DYSTROPHY, LIMB-GIRDLE, AUTOSOMAL RECESSIVE 17. Identifiers: Orphanet 254361, MedGen C3150989, MONDO:0013390, OMIM 613723.
Epidermolysis bullosa simplex with nail dystrophy (EBS5D). Identifiers: MedGen C4225309, MONDO:0014661, OMIM 616487.
Epidermolysis bullosa simplex 5B, with muscular dystrophy (EBS5B). Also called: Epidermolysis bullosa simplex with muscular dystrophy; EPIDERMOLYSIS BULLOSA SIMPLEX AND LIMB-GIRDLE MUSCULAR DYSTROPHY. Identifiers: Orphanet 257, MedGen C2931072, MONDO:0009181, OMIM 226670.
Epidermolysis bullosa simplex, Ogna type (EBS5A). Also called: Pidermolysis bullosa simplex 5A, Ogna type; EPIDERMOLYSIS BULLOSA SIMPLEX 5A, OGNA TYPE. Identifiers: Orphanet 79401, MedGen C0432317, MONDO:0007555, OMIM 131950.

Allele frequency attached by ClinVar (database versions not stated): 1000 Genomes Project 30x 0.23220; 1000 Genomes Project 0.23243; TOPMed 0.27728; ESP Exome Variant Server 0.29234.
gnomAD v4.1: 592,670 of 1,611,964 alleles (37%); highest among the groups gnomAD compares: Non-Finnish European, 40%; 114,183 homozygotes.

Submissions (13):

Labcorp Genetics (formerly Invitae), Labcorp
Classification: Benign for Autosomal recessive limb-girdle muscular dystrophy type 2Q; Epidermolysis bullosa simplex, Ogna type; Epidermolysis bullosa simplex with nail dystrophy; Epidermolysis bullosa simplex 5C, with pyloric atresia; Epidermolysis bullosa simplex 5B, with muscular dystrophy. Last evaluated: 2026-02-04. Review status: criteria provided, single submitter. Criteria: Invitae Variant Classification Sherloc (09022015). Collection method: clinical testing. Allele origin: germline.

Genome-Nilou Lab
Classification: Benign for Epidermolysis bullosa simplex with nail dystrophy. Last evaluated: 2021-10-25. Review status: criteria provided, single submitter. Criteria: ACMG Guidelines, 2015. Collection method: clinical testing. Allele origin: germline. Affected: no.

Genome-Nilou Lab
Classification: Benign for Epidermolysis bullosa simplex, Ogna type. Last evaluated: 2021-10-25. Review status: criteria provided, single submitter. Criteria: ACMG Guidelines, 2015. Collection method: clinical testing. Allele origin: germline. Affected: no.

Genome-Nilou Lab
Classification: Benign for Epidermolysis bullosa simplex 5B, with muscular dystrophy. Last evaluated: 2021-10-25. Review status: criteria provided, single submitter. Criteria: ACMG Guidelines, 2015. Collection method: clinical testing. Allele origin: germline. Affected: no.

Genome-Nilou Lab
Classification: Benign for Epidermolysis bullosa simplex 5C, with pyloric atresia. Last evaluated: 2021-10-25. Review status: criteria provided, single submitter. Criteria: ACMG Guidelines, 2015. Collection method: clinical testing. Allele origin: germline. Affected: no.

Genome-Nilou Lab
Classification: Benign for Autosomal recessive limb-girdle muscular dystrophy type 2Q. Last evaluated: 2021-10-25. Review status: criteria provided, single submitter. Criteria: ACMG Guidelines, 2015. Collection method: clinical testing. Allele origin: germline. Affected: no.

Athena Diagnostics
Classification: Benign. Last evaluated: 2018-11-02. Review status: criteria provided, single submitter. Criteria: Athena Diagnostics Criteria. Collection method: clinical testing. Allele origin: germline.

Mayo Clinic Laboratories, Mayo Clinic
Classification: Benign. Last evaluated: 2017-07-24. Review status: criteria provided, single submitter. Criteria: ACMG Guidelines, 2015. Collection method: clinical testing. Allele origin: germline. Observed: 761 variant alleles.

GeneDx
Classification: Benign. Last evaluated: 2016-01-05. Review status: criteria provided, single submitter. Criteria: GeneDx Variant Classification (06012015). Collection method: clinical testing. Allele origin: germline. Affected: yes.
Comment: This variant is considered likely benign or benign based on one or more of the following criteria: it is a conservative change, it occurs at a poorly conserved position in the protein, it is predicted to be benign by multiple in silico algorithms, and/or has population frequency not consistent with disease.

Laboratory for Molecular Medicine, Mass General Brigham Personalized Medicine
Classification: Benign. Last evaluated: 2015-01-13. Review status: criteria provided, single submitter. Criteria: LMM Criteria. Collection method: clinical testing. Allele origin: germline. Observed: 7 variant alleles.
Comment: p.Ala263Ala in exon 5 of PLEC: This variant is not expected to have clinical sig nificance because it does not alter an amino acid residue and is not located wit hin the splice consensus sequence. It has been identified in 38.7% (3317/8576) o f European American chromosomes from a broad population by the NHLBI Exome Seque ncing Project (dbSNP rs6993938).

Breakthrough Genomics
Classification: Benign. Review status: criteria provided, single submitter. Criteria: ACMG Guidelines, 2015. Collection method: not provided. Allele origin: germline. Inheritance: Autosomal recessive inheritance. Affected: yes.

PreventionGenetics, part of Exact Sciences
Classification: Benign. Review status: criteria provided, single submitter. Criteria: ACMG Guidelines, 2015. Collection method: clinical testing. Allele origin: germline.

Genetic Services Laboratory, University of Chicago
Classification: Likely benign for AllHighlyPenetrant. Review status: no assertion criteria provided. Collection method: clinical testing. Allele origin: germline. Inheritance: Autosomal recessive inheritance. Not counted in ClinVar's aggregate classification.
Comment: Likely benign based on allele frequency in 1000 Genomes Project or ESP global frequency and its presence in a patient with a rare or unrelated disease phenotype. NOT Sanger confirmed.

NM_201384.3(PLEC):c.378T>C (p.Ala126=)

Gene: PLEC (plectin; minus strand). Cytogenetic location: 8q24.3.
Variant type: single nucleotide variant.
Coding change: c.378T>C on transcript NM_201384.3 (MANE Select); coding-DNA position 378, T replaced by C.
Protein change: p.Ala126=; no amino-acid change (alanine 126 retained).
Molecular consequence: synonymous variant.
Genome position (GRCh38, 1-based): chr8:143,937,036, A>G on the plus strand (T>C on the coding strand, the complement: PLEC is on the minus strand). VCF-style: chr8-143937036-A-G. GRCh37 (hg19) VCF-style: chr8-145011204-A-G.
Other names: p.Ala112=; c.459T>C, p.Ala153= (NM_000445.5); c.336T>C, p.Ala112= (NM_201378.4); c.312T>C, p.Ala104= (NM_201379.3); c.789T>C, p.Ala263= (NM_201380.4); c.282T>C, p.Ala94= (NM_201381.3); c.378T>C, p.Ala126= (NM_201382.4); c.390T>C, p.Ala130= (NM_201383.3).
Identifiers: ClinVar variation 129949 (VCV000129949.23), dbSNP rs6993938, ClinGen allele CA154555.
Genomic context (GRCh38, chr8:143,937,036, plus strand): 5'-TACCTGGAAGTGCAGAATGATTGTCCAGATGAGGCCAAGGGTCAGCTTGGGGTTGCCGTC[A>G]GCGATGTCATCATTCCTGATGTTCACCAGCTTCACCTGTGAGCGAGGGGCTCTCGGTCAC-3'
Protein context (NP_958786.1, residues 116-136): KLVNIRNDDI[Ala126=]DGNPKLTLGL